The following is an entry in ClinVar:

ClinVar aggregate classification (germline): Likely pathogenic (1 of 4 stars; one submission).

Conditions:
Severe intellectual disability-progressive spastic diplegia syndrome (NEDSDV). Also called: NEURODEVELOPMENTAL DISORDER WITH SPASTIC DIPLEGIA AND VISUAL DEFECTS; CTNNB1 Neurodevelopmental Disorder. Identifiers: Orphanet 404473, MedGen C3554449, MONDO:0014035, OMIM 615075.

Submission:

3billion
Classification: Likely pathogenic for Severe intellectual disability-progressive spastic diplegia syndrome. Last evaluated: 2024-03-14. Review status: criteria provided, single submitter. Criteria: ACMG Guidelines, 2015. Collection method: clinical testing. Allele origin: germline. Affected: yes.
Comment: The variant is not observed in the gnomAD v2.1.1 dataset. Predicted Consequence/Location: Canonical splice site: predicted to alter splicing and result in a loss or disruption of normal protein function. Multiple pathogenic loss-of-function variants are reported downstream of the variant. In silico tools predict the variant to alter splicing and produce an abnormal transcript [Splice AI: 1.0 (spliceogenicity >=0.2, non-spliceogenicity <0.1)]. Therefore, this variant is classified as Likely pathogenic according to the recommendation of ACMG/AMP guideline.

NM_001904.4(CTNNB1):c.1524_1524+5del

Genes: CTNNB1 (catenin beta 1; plus strand), LOC126806659 (BRD4-independent group 4 enhancer GRCh37_chr3:41274918-41276117; plus strand). Cytogenetic location: 3p22.1.
Variant type: Deletion.
Coding change: c.1524_1524+5del on transcript NM_001904.4 (MANE Select); coding-DNA position 1524 through 5 bases into the intron after coding-DNA position 1524, 6 bases deleted (GGTAAA; older notation c.1524_1524+5delGGTAAA).
Molecular consequence: splice donor variant.
Genome position (GRCh38, 1-based): chr3:41,233,867-41,233,872, GGTAAA deleted; deleting any 6 consecutive bases within chr3:41,233,863-41,233,872 gives the same sequence; the c. name uses the placement nearest the transcript's 3' end. VCF-style (leftmost placement, unchanged base first): chr3-41233862-ATAAAGG-A. GRCh37 (hg19) VCF-style: chr3-41275353-ATAAAGG-A.
Other names: c.1503_1503+5del (NM_001330729.2); c.1524_1524+5del (NM_001098209.2, NM_001098210.2).
Identifiers: ClinVar variation 3775837 (VCV003775837.1).